The following is an entry in ClinVar:

ClinVar aggregate classification (germline): Pathogenic (1 of 4 stars; one submission).

Conditions:
Propionic acidemia (PROP). Also called: GLYCINEMIA, KETOTIC; HYPERGLYCINEMIA WITH KETOACIDOSIS AND LEUKOPENIA; KETOTIC HYPERGLYCINEMIA. Identifiers: Orphanet 35, MedGen C0268579, MONDO:0011628, OMIM 606054, HP:0003571.

Submission:

Myriad Genetics, Inc.
Classification: Pathogenic for Propionic acidemia. Last evaluated: 2025-01-14. Review status: criteria provided, single submitter. Criteria: Myriad Autosomal Dominant, Autosomal Recessive and X-Linked Classification Criteria (2023). Collection method: clinical testing. Allele origin: unknown.
Comment: NM_000532.4(PCCB):c.1220dupG(I408Hfs*14) is expected to be pathogenic in the context of PCCB-related propionic acidemia. This variant is predicted to lead to an abnormal or absent protein product due to the creation of a premature termination codon in PCCB, a gene where loss-of-function variants are known to be pathogenic. Please note: this variant was assessed in the context of healthy population screening.

NM_000532.5(PCCB):c.1220dup (p.Ile408fs)

Gene: PCCB (propionyl-CoA carboxylase subunit beta; plus strand). Cytogenetic location: 3q22.3.
Variant type: Duplication.
Coding change: c.1220dup on transcript NM_000532.5 (MANE Select); coding-DNA position 1220, one base duplicated (G; older notation c.1220dupG).
Protein change: p.Ile408fs; shifts the reading frame from isoleucine 408.
Molecular consequence: frameshift variant.
Genome position (GRCh38, 1-based): chr3:136,327,176, G duplicated; the last of 5 consecutive G bases (chr3:136,327,172-136,327,176); duplicating any one gives the same sequence. VCF-style (leftmost placement, unchanged base first): chr3-136327171-C-CG. GRCh37 (hg19) VCF-style: chr3-136046013-C-CG.
Other names: c.1280dup, p.Ile428fs (NM_001178014.2); short protein forms I408fs, I428fs.
Identifiers: ClinVar variation 5013964 (VCV005013964.1).